The following is an entry in ClinVar:

ClinVar aggregate classification (germline): Uncertain significance (1 of 4 stars; one submission).

Conditions:
EGFR-related lung cancer (EGFR). Identifiers: MedGen CN130014.

Submission:

Labcorp Genetics (formerly Invitae), Labcorp
Classification: Uncertain significance for EGFR-related lung cancer. Last evaluated: 2024-06-04. Review status: criteria provided, single submitter. Criteria: Invitae Variant Classification Sherloc (09022015). Collection method: clinical testing. Allele origin: germline.
Comment: This sequence change replaces lysine, which is basic and polar, with asparagine, which is neutral and polar, at codon 80 of the EGFR protein (p.Lys80Asn). This variant also falls at the last nucleotide of exon 2, which is part of the consensus splice site for this exon. This variant is not present in population databases (gnomAD no frequency). This variant has not been reported in the literature in individuals affected with EGFR-related conditions. An algorithm developed to predict the effect of missense changes on protein structure and function (PolyPhen-2) suggests that this variant is likely to be disruptive. Variants that disrupt the consensus splice site are a relatively common cause of aberrant splicing (PMID: 17576681, 9536098). Algorithms developed to predict the effect of sequence changes on RNA splicing suggest that this variant may disrupt the consensus splice site. In summary, the available evidence is currently insufficient to determine the role of this variant in disease. Therefore, it has been classified as a Variant of Uncertain Significance.

Literature cited by the submitters: PubMed 17576681; PubMed 9536098.

NM_005228.5(EGFR):c.240G>T (p.Lys80Asn)

Gene: EGFR (epidermal growth factor receptor; plus strand). Cytogenetic location: 7p11.2.
Variant type: single nucleotide variant.
Coding change: c.240G>T on transcript NM_005228.5 (MANE Select); coding-DNA position 240, G replaced by T.
Protein change: p.Lys80Asn; replaces lysine 80 with asparagine.
Molecular consequence: missense variant. On other transcripts: intron variant (1).
Genome position (GRCh38, 1-based): chr7:55,142,437, G>T. VCF-style: chr7-55142437-G-T. GRCh37 (hg19) VCF-style: chr7-55210130-G-T.
Other names: c.240G>T, p.Lys80Asn (NM_001346897.2, NM_001346898.2, NM_001346899.2 and 3 more transcripts); c.81G>T, p.Lys27Asn (NM_001346900.2); c.89-13393G>T (NM_001346941.2); short protein forms K27N, K80N.
Identifiers: ClinVar variation 3655513 (VCV003655513.2).
Genomic context (GRCh38, chr7:55,142,437, plus strand): 5'-GGTCCTTGGGAATTTGGAAATTACCTATGTGCAGAGGAATTATGATCTTTCCTTCTTAAA[G>T]GTTGGTGACTTTGATTTTCCTACACAAATAAAATTGGAGAAAATCTAAGTGGAGAAAGGC-3'
Protein context (NP_005219.2, residues 70-90): VQRNYDLSFL[Lys80Asn]TIQEVAGYVL